The following is an entry in ClinVar:

ClinVar aggregate classification (germline): Uncertain significance (1 of 4 stars; one submission).

Allele frequency attached by ClinVar (database versions not stated): gnomAD 0.00001 and 0.00003; TOPMed 0.00003; ESP Exome Variant Server 0.00008.

Submission:

Labcorp Genetics (formerly Invitae), Labcorp
Classification: Uncertain significance. Last evaluated: 2026-01-12. Review status: criteria provided, single submitter. Criteria: Invitae Variant Classification Sherloc (09022015). Collection method: clinical testing. Allele origin: germline.
Comment: This sequence change replaces glutamic acid, which is acidic and polar, with lysine, which is basic and polar, at codon 114 of the GNMT protein (p.Glu114Lys). This variant is present in population databases (rs370786846, gnomAD 0.008%). This variant has not been reported in the literature in individuals affected with GNMT-related conditions. ClinVar contains an entry for this variant (Variation ID: 1021446). Invitae Evidence Modeling of protein sequence and biophysical properties (such as structural, functional, and spatial information, amino acid conservation, physicochemical variation, residue mobility, and thermodynamic stability) indicates that this missense variant is not expected to disrupt GNMT protein function with a negative predictive value of 80%. In summary, the available evidence is currently insufficient to determine the role of this variant in disease. Therefore, it has been classified as a Variant of Uncertain Significance.

NM_018960.6(GNMT):c.340G>A (p.Glu114Lys)

Genes: GNMT (glycine N-methyltransferase; plus strand), CNPY3-GNMT (CNPY3-GNMT readthrough; plus strand). Cytogenetic location: 6p21.1.
Variant type: single nucleotide variant.
Coding change: c.340G>A on transcript NM_018960.6 (MANE Select); coding-DNA position 340, G replaced by A.
Protein change: p.Glu114Lys; replaces glutamic acid 114 with lysine.
Molecular consequence: missense variant. On other transcripts: non-coding transcript variant (4).
Genome position (GRCh38, 1-based): chr6:42,962,767, G>A. VCF-style: chr6-42962767-G-A. GRCh37 (hg19) VCF-style: chr6-42930505-G-A.
Other names: c.142G>A, p.Glu48Lys (NM_001318856.2); c.157G>A, p.Glu53Lys (NM_001318857.2, NM_001318858.2); c.340G>A, p.Glu114Lys (NM_001318865.2); short protein forms E114K, E48K, E53K.
Identifiers: ClinVar variation 1021446 (VCV001021446.7), dbSNP rs370786846, ClinGen allele CA3810662.